The following is an entry in ClinVar:

NM_001375524.1(TRRAP):c.4873G>A (p.Gly1625Arg)

Gene: TRRAP (transformation/transcription domain associated protein; plus strand). Cytogenetic location: 7q22.1.
Variant type: single nucleotide variant.
Coding change: c.4873G>A on transcript NM_001375524.1 (MANE Select); coding-DNA position 4873, G replaced by A.
Protein change: p.Gly1625Arg; replaces glycine 1625 with arginine.
Molecular consequence: missense variant.
Genome position (GRCh38, 1-based): chr7:98,949,501, G>A. VCF-style: chr7-98949501-G-A. GRCh37 (hg19) VCF-style: chr7-98547124-G-A.
Other names: c.4852G>A, p.Gly1618Arg (NM_001244580.2); c.4798G>A, p.Gly1600Arg (NM_003496.4); short protein forms G1600R, G1618R, G1625R.
Identifiers: ClinVar variation 1710599 (VCV001710599.2), dbSNP rs2484851661, ClinGen allele CA368312967.

ClinVar aggregate classification (germline): Uncertain significance (1 of 4 stars; one submission).

Allele frequency attached by ClinVar (database versions not stated): gnomAD exomes below 0.00001.
gnomAD v4.1: 1 of 1,611,136 alleles (0.000062%); highest among the groups gnomAD compares: Non-Finnish European, 0.000085%; no homozygotes.

Submission:

GeneDx
Classification: Uncertain significance. Last evaluated: 2022-03-28. Review status: criteria provided, single submitter. Criteria: GeneDx Variant Classification Process June 2021. Collection method: clinical testing. Allele origin: germline. Affected: yes.
Comment: Not observed at significant frequency in large population cohorts (gnomAD); In silico analysis supports that this missense variant does not alter protein structure/function; Has not been previously published as pathogenic or benign to our knowledge